The following is an entry in ClinVar:

ClinVar aggregate classification (germline): Conflicting classifications of pathogenicity. Review status: criteria provided, conflicting classifications (1 of 4 stars). 6 submissions from 6 submitters: Uncertain significance (4); Likely benign (2). Last evaluated 2026-01-11.

Conditions:
Hereditary cancer-predisposing syndrome. Also called: Neoplastic Syndromes, Hereditary; Tumor predisposition; Hereditary Cancer Syndrome; Hereditary neoplastic syndrome. Identifiers: Orphanet 140162, MedGen C0027672, MeSH D009386, MONDO:0015356.
Familial cancer of breast. Also called: BREAST CANCER, FAMILIAL; hereditary breast carcinoma; Hereditary breast cancer. Identifiers: Orphanet 227535, MedGen C0346153, MONDO:0016419, OMIM 114480. Disease mechanism: loss of function.

Allele frequency attached by ClinVar (database versions not stated): TOPMed below 0.00001; ExAC 0.00001; gnomAD 0.00001; gnomAD exomes 0.00001 and 0.00002.
gnomAD v4.1: 19 of 1,613,764 alleles (0.0012%); highest among the groups gnomAD compares: East Asian, 0.0022%; no homozygotes.

Submissions (6):

Labcorp Genetics (formerly Invitae), Labcorp
Classification: Uncertain significance for Familial cancer of breast. Last evaluated: 2026-01-11. Review status: criteria provided, single submitter. Criteria: Invitae Variant Classification Sherloc (09022015). Collection method: clinical testing. Allele origin: germline.
Comment: This sequence change replaces arginine, which is basic and polar, with glutamine, which is neutral and polar, at codon 641 of the BARD1 protein (p.Arg641Gln). This variant is present in population databases (rs752870879, gnomAD 0.006%). This variant has not been reported in the literature in individuals affected with BARD1-related conditions. ClinVar contains an entry for this variant (Variation ID: 231509). An algorithm developed to predict the effect of missense changes on protein structure and function outputs the following: PolyPhen-2: "Benign". The glutamine amino acid residue is found in multiple mammalian species, which suggests that this missense change does not adversely affect protein function. Experimental studies have shown that this missense change does not substantially affect BARD1 function (PMID: 30925164). In summary, the available evidence is currently insufficient to determine the role of this variant in disease. Therefore, it has been classified as a Variant of Uncertain Significance.

Color Diagnostics, LLC DBA Color Health
Classification: Likely benign for Hereditary cancer-predisposing syndrome. Last evaluated: 2024-09-19. Review status: criteria provided, single submitter. Criteria: ACMG Guidelines, 2015. Collection method: clinical testing. Allele origin: germline.

GeneDx
Classification: Uncertain significance. Last evaluated: 2023-04-13. Review status: criteria provided, single submitter. Criteria: GeneDx Variant Classification Process June 2021. Collection method: clinical testing. Allele origin: germline. Affected: yes.
Comment: In silico analysis supports that this missense variant does not alter protein structure/function; A published functional study suggests no damaging effect: homology-directed repair activity similar to wild-type (Adamovich et al., 2019); This variant is associated with the following publications: (PMID: 30925164, 17550235, 29292755)

MGZ Medical Genetics Center
Classification: Uncertain significance for Familial cancer of breast. Last evaluated: 2023-04-03. Review status: criteria provided, single submitter. Criteria: ACMG Guidelines, 2015. Collection method: clinical testing. Allele origin: germline. Affected: yes. Observed: 3 variant alleles.
Comment: ACMG criteria applied: PM2_SUP, BP4

Quest Diagnostics Nichols Institute San Juan Capistrano
Classification: Uncertain significance. Last evaluated: 2019-05-08. Review status: criteria provided, single submitter. Criteria: Quest Diagnostics criteria. Collection method: clinical testing. Allele origin: germline.

Ambry Genetics
Classification: Likely benign for Hereditary cancer-predisposing syndrome. Last evaluated: 2018-01-12. Review status: criteria provided, single submitter. Criteria: Ambry Variant Classification Scheme 2023. Collection method: clinical testing. Allele origin: germline.

Literature cited by the submitters: PubMed 30925164 (cited by Labcorp Genetics (formerly Invitae), Labcorp).

NM_000465.4(BARD1):c.1922G>A (p.Arg641Gln)

Gene: BARD1 (BRCA1 associated RING domain 1; minus strand). Cytogenetic location: 2q35.
Variant type: single nucleotide variant.
Coding change: c.1922G>A on transcript NM_000465.4 (MANE Select); coding-DNA position 1922, G replaced by A.
Protein change: p.Arg641Gln; replaces arginine 641 with glutamine.
Molecular consequence: missense variant. On other transcripts: non-coding transcript variant (3).
Genome position (GRCh38, 1-based): chr2:214,730,490, C>T on the plus strand (G>A on the coding strand, the complement: BARD1 is on the minus strand). VCF-style: chr2-214730490-C-T. GRCh37 (hg19) VCF-style: chr2-215595214-C-T.
Other names: c.1865G>A, p.Arg622Gln (NM_001282543.2); c.569G>A, p.Arg190Gln (NM_001282545.2); c.512G>A, p.Arg171Gln (NM_001282548.2); c.383G>A, p.Arg128Gln (NM_001282549.2); short protein forms R641Q, R171Q, R622Q, R128Q, R190Q.
Identifiers: ClinVar variation 231509 (VCV000231509.25), dbSNP rs752870879, ClinGen allele CA2090115.